The following is an entry in ClinVar:

NM_198578.4(LRRK2):c.3190G>T (p.Asp1064Tyr)

Gene: LRRK2 (leucine rich repeat kinase 2; plus strand). Cytogenetic location: 12q12.
Variant type: single nucleotide variant.
Coding change: c.3190G>T on transcript NM_198578.4 (MANE Select); coding-DNA position 3190, G replaced by T.
Protein change: p.Asp1064Tyr; replaces aspartic acid 1064 with tyrosine.
Molecular consequence: missense variant.
Genome position (GRCh38, 1-based): chr12:40,298,336, G>T. VCF-style: chr12-40298336-G-T. GRCh37 (hg19) VCF-style: chr12-40692138-G-T.
Other names: short protein forms D1064Y.
Identifiers: ClinVar variation 1728670 (VCV001728670.2), dbSNP rs1269520562, ClinGen allele CA384414456.

ClinVar aggregate classification (germline): Uncertain significance (1 of 4 stars; one submission).

Conditions:
Inborn genetic diseases. Identifiers: MedGen C0950123, MeSH D030342.

Allele frequency attached by ClinVar (database versions not stated): TOPMed below 0.00001; gnomAD exomes 0.00001.

Submission:

Ambry Genetics
Classification: Uncertain significance for Inborn genetic diseases. Last evaluated: 2024-02-25. Review status: criteria provided, single submitter. Criteria: Ambry Variant Classification Scheme 2023. Collection method: clinical testing. Allele origin: germline.
Comment: The p.D1064Y variant (also known as c.3190G>T), located in coding exon 24 of the LRRK2 gene, results from a G to T substitution at nucleotide position 3190. The aspartic acid at codon 1064 is replaced by tyrosine, an amino acid with highly dissimilar properties. This amino acid position is conserved. In addition, the in silico prediction for this alteration is inconclusive. Since supporting evidence is limited at this time, the clinical significance of this alteration remains unclear.